The following is an entry in ClinVar:

NM_000044.6(AR):c.1769-3C>A

Gene: AR (androgen receptor; plus strand). Cytogenetic location: Xq12.
Variant type: single nucleotide variant.
Coding change: c.1769-3C>A on transcript NM_000044.6 (MANE Select); 3 bases into the intron before coding-DNA position 1769, C replaced by A.
Molecular consequence: intron variant. On other transcripts: synonymous variant (1).
Genome position (GRCh38, 1-based): chrX:67,686,007, C>A. VCF-style: chrX-67686007-C-A. GRCh37 (hg19) VCF-style: chrX-66905849-C-A.
Other names: c.1683C>A, p.Pro561= (NM_001348064.1); c.173-3C>A (NM_001011645.3); c.1769-3C>A (NM_001348061.1, NM_001348063.1).
Identifiers: ClinVar variation 3757938 (VCV003757938.2).

ClinVar aggregate classification (germline): Uncertain significance (1 of 4 stars; one submission).

Conditions:
Kennedy disease (SMAX1). Also called: SPINAL AND BULBAR MUSCULAR ATROPHY, X-LINKED 1; KENNEDY SPINAL AND BULBAR MUSCULAR ATROPHY; Spinal and Bulbar Muscular Atrophy. Identifiers: Orphanet 481, MedGen C1839259, MONDO:0010735, OMIM 313200.
Androgen resistance syndrome (AIS). Also called: ANDROGEN RECEPTOR DEFICIENCY; DIHYDROTESTOSTERONE RECEPTOR DEFICIENCY; TESTICULAR FEMINIZATION SYNDROME; Androgen insensitivity syndrome; Androgen insensitivity; DHTR DEFICIENCY. Identifiers: Orphanet 754, Orphanet 99429, MedGen C0039585, MONDO:0019154, OMIM 300068. Disease mechanism: loss of function.

Submission:

Labcorp Genetics (formerly Invitae), Labcorp
Classification: Uncertain significance for Kennedy disease; Androgen resistance syndrome. Last evaluated: 2024-12-16. Review status: criteria provided, single submitter. Criteria: Invitae Variant Classification Sherloc (09022015). Collection method: clinical testing. Allele origin: germline.
Comment: This sequence change falls in intron 2 of the AR gene. It does not directly change the encoded amino acid sequence of the AR protein. It affects a nucleotide within the consensus splice site. This variant is not present in population databases (gnomAD no frequency). This variant has not been reported in the literature in individuals affected with AR-related conditions. Variants that disrupt the consensus splice site are a relatively common cause of aberrant splicing (PMID: 17576681, 9536098). Algorithms developed to predict the effect of sequence changes on RNA splicing suggest that this variant may disrupt the consensus splice site. In summary, the available evidence is currently insufficient to determine the role of this variant in disease. Therefore, it has been classified as a Variant of Uncertain Significance.

Literature cited by the submitters: PubMed 17576681; PubMed 9536098.